The following is an entry in ClinVar:

NC_000011.9:g.(?_20621219)_(20668500_?)del

Gene: SLC6A5 (solute carrier family 6 member 5; plus strand). Cytogenetic location: 11p15.1.
Variant type: Deletion.
Identifiers: ClinVar variation 1453382 (VCV001453382.4).

ClinVar aggregate classification (germline): Pathogenic (1 of 4 stars; one submission).

Conditions:
Hyperekplexia 3 (HKPX3). Also called: HYPEREKPLEXIA 3, AUTOSOMAL RECESSIVE; HYPEREKPLEXIA 3, AUTOSOMAL DOMINANT. Identifiers: Orphanet 3197, MedGen C3553288, MONDO:0013827, OMIM 614618.

Submission:

Labcorp Genetics (formerly Invitae), Labcorp
Classification: Pathogenic for Hyperekplexia 3. Last evaluated: 2021-09-28. Review status: criteria provided, single submitter. Criteria: Invitae Variant Classification Sherloc (09022015). Collection method: clinical testing. Allele origin: germline.
Comment: For these reasons, this variant has been classified as Pathogenic. This variant has not been reported in the literature in individuals affected with SLC6A5-related conditions. This variant is a gross deletion of the genomic region encompassing exon(s) 1-14 of the SLC6A5 gene, which includes the initiator codon. This deletion extends beyond the assayed region for this gene and therefore may encompass additional genes. It is expected to result in an absent or disrupted protein product. Loss-of-function variants in SLC6A5 are known to be pathogenic (PMID: 14622583, 16751771, 22700964).

Literature cited by the submitters: PubMed 14622583; PubMed 16751771; PubMed 22700964.